The following is an entry in ClinVar:

NM_052947.4(ALPK2):c.3247C>A (p.Pro1083Thr)

Gene: ALPK2 (alpha kinase 2; minus strand). Cytogenetic location: 18q21.31.
Variant type: single nucleotide variant.
Coding change: c.3247C>A on transcript NM_052947.4 (MANE Select); coding-DNA position 3247, C replaced by A.
Protein change: p.Pro1083Thr; replaces proline 1083 with threonine.
Molecular consequence: missense variant.
Genome position (GRCh38, 1-based): chr18:58,536,940, G>T on the plus strand (C>A on the coding strand, the complement: ALPK2 is on the minus strand). VCF-style: chr18-58536940-G-T. GRCh37 (hg19) VCF-style: chr18-56204172-G-T.
Other names: short protein forms P1083T.
Identifiers: ClinVar variation 1729354 (VCV001729354.2), dbSNP rs2518876702, ClinGen allele CA402568794.

ClinVar aggregate classification (germline): Uncertain significance (1 of 4 stars; one submission).

Submission:

Ambry Genetics
Classification: Uncertain significance. Last evaluated: 2022-02-12. Review status: criteria provided, single submitter. Criteria: Ambry Variant Classification Scheme 2023. Collection method: clinical testing. Allele origin: germline.
Comment: The p.P1083T variant (also known as c.3247C>A), located in coding exon 4 of the ALPK2 gene, results from a C to A substitution at nucleotide position 3247. The proline at codon 1083 is replaced by threonine, an amino acid with highly similar properties. This amino acid position is conserved. In addition, this alteration is predicted to be tolerated by in silico analysis. Since supporting evidence is limited at this time, the clinical significance of this alteration remains unclear.